The following is an entry in ClinVar:

NM_004813.4(PEX16):c.703C>G (p.Leu235Val)

Gene: PEX16 (peroxisomal biogenesis factor 16; minus strand). Cytogenetic location: 11p11.2.
Variant type: single nucleotide variant.
Coding change: c.703C>G on transcript NM_004813.4 (MANE Select); coding-DNA position 703, C replaced by G.
Protein change: p.Leu235Val; replaces leucine 235 with valine.
Molecular consequence: missense variant.
Genome position (GRCh38, 1-based): chr11:45,914,195, G>C on the plus strand (C>G on the coding strand, the complement: PEX16 is on the minus strand). VCF-style: chr11-45914195-G-C. GRCh37 (hg19) VCF-style: chr11-45935746-G-C.
Other names: c.703C>G, p.Leu235Val (NM_057174.3); short protein forms L235V.
Identifiers: ClinVar variation 1379474 (VCV001379474.3), dbSNP rs765315257, ClinGen allele CA5959853.

ClinVar aggregate classification (germline): Uncertain significance (1 of 4 stars; one submission).

Conditions:
Peroxisome biogenesis disorder. Identifiers: Orphanet 79189, MedGen C1832200, MONDO:0019234. Disease mechanism: loss of function.

Allele frequency attached by ClinVar (database versions not stated): gnomAD exomes below 0.00001; ExAC 0.00001.
gnomAD v4.1: 2 of 1,613,216 alleles (0.00012%); highest among the groups gnomAD compares: Non-Finnish European, 0.000085%; no homozygotes.

Submission:

Labcorp Genetics (formerly Invitae), Labcorp
Classification: Uncertain significance for Peroxisome biogenesis disorder. Last evaluated: 2022-10-24. Review status: criteria provided, single submitter. Criteria: Invitae Variant Classification Sherloc (09022015). Collection method: clinical testing. Allele origin: germline.
Comment: This sequence change replaces leucine, which is neutral and non-polar, with valine, which is neutral and non-polar, at codon 235 of the PEX16 protein (p.Leu235Val). This variant is present in population databases (rs765315257, gnomAD 0.0009%). This variant has not been reported in the literature in individuals affected with PEX16-related conditions. ClinVar contains an entry for this variant (Variation ID: 1379474). Advanced modeling of protein sequence and biophysical properties (such as structural, functional, and spatial information, amino acid conservation, physicochemical variation, residue mobility, and thermodynamic stability) performed at Invitae indicates that this missense variant is not expected to disrupt PEX16 protein function. In summary, the available evidence is currently insufficient to determine the role of this variant in disease. Therefore, it has been classified as a Variant of Uncertain Significance.